The following is an entry in ClinVar:

NM_000268.4(NF2):c.354C>T (p.Phe118=)

Gene: NF2 (NF2, moesin-ezrin-radixin like (MERLIN) tumor suppressor; plus strand). Cytogenetic location: 22q12.2.
Variant type: single nucleotide variant.
Coding change: c.354C>T on transcript NM_000268.4 (MANE Select); coding-DNA position 354, C replaced by T.
Protein change: p.Phe118=; no amino-acid change (phenylalanine 118 retained).
Molecular consequence: synonymous variant. On other transcripts: non-coding transcript variant (1), intron variant (3).
Genome position (GRCh38, 1-based): chr22:29,639,203, C>T. VCF-style: chr22-29639203-C-T. GRCh37 (hg19) VCF-style: chr22-30035192-C-T.
Other names: c.354C>T, p.Phe118= (NM_016418.5, NM_181825.3, NM_181832.3 and 1 more transcripts); c.228C>T, p.Phe76= (NM_181828.3); c.240+2327C>T (NM_181829.3); c.115-2999C>T (NM_181830.3, NM_181831.3).
Identifiers: ClinVar variation 417155 (VCV000417155.20), dbSNP rs756564761, ClinGen allele CA030246.

ClinVar aggregate classification (germline): Likely benign. Review status: criteria provided, multiple submitters, no conflicts (2 of 4 stars). 6 submissions from 6 submitters: Likely benign (6). Last evaluated 2026-02-02.

Conditions:
Hereditary cancer-predisposing syndrome. Also called: Tumor predisposition; Hereditary Cancer Syndrome; Hereditary neoplastic syndrome; Neoplastic Syndromes, Hereditary. Identifiers: Orphanet 140162, MedGen C0027672, MeSH D009386, MONDO:0015356.
Neurofibromatosis, type 2 (SWNV). Also called: BILATERAL ACOUSTIC NEUROFIBROMATOSIS; SCHWANNOMATOSIS, VESTIBULAR; NF2-Related Schwannomatosis. Identifiers: Orphanet 637, MedGen C0027832, MONDO:0007039, OMIM 101000. Disease mechanism: loss of function.

Allele frequency attached by ClinVar (database versions not stated): ExAC 0.00003; gnomAD exomes 0.00004 and 0.00006; gnomAD 0.00005 and 0.00006; TOPMed 0.00007.
gnomAD v4.1: 112 of 1,614,042 alleles (0.0069%); highest among the groups gnomAD compares: Non-Finnish European, 0.0078%; no homozygotes.

Submissions (6):

Labcorp Genetics (formerly Invitae), Labcorp
Classification: Likely benign for Neurofibromatosis, type 2. Last evaluated: 2026-02-02. Review status: criteria provided, single submitter. Criteria: Invitae Variant Classification Sherloc (09022015). Collection method: clinical testing. Allele origin: germline.

All of Us Research Program, National Institutes of Health
Classification: Likely benign for Neurofibromatosis, type 2. Last evaluated: 2024-01-11. Review status: criteria provided, single submitter. Criteria: ACMG Guidelines, 2015. Collection method: clinical testing. Allele origin: germline. Inheritance: Autosomal dominant inheritance. Observed: 18 variant alleles, 18 heterozygotes.
Comment: This study involves interpretation of variants in research participants for the purpose of population health screening. Participant phenotype was not available at the time of variant classification. Additional details can be found in publication PMID: 35346344, PMCID: PMC8962531

Blueprint Genetics
Classification: Likely benign. Last evaluated: 2023-04-11. Review status: criteria provided, single submitter. Criteria: ACMG Guidelines, 2015. Collection method: clinical testing. Allele origin: germline.

Color Diagnostics, LLC DBA Color Health
Classification: Likely benign for Neurofibromatosis, type 2. Last evaluated: 2022-11-06. Review status: criteria provided, single submitter. Criteria: ACMG Guidelines, 2015. Collection method: clinical testing. Allele origin: germline.

Sema4
Classification: Likely benign for Hereditary cancer-predisposing syndrome. Last evaluated: 2021-12-10. Review status: criteria provided, single submitter. Criteria: Sema4 Curation Guidelines. Collection method: curation. Allele origin: germline.

Ambry Genetics
Classification: Likely benign for Hereditary cancer-predisposing syndrome. Last evaluated: 2018-12-06. Review status: criteria provided, single submitter. Criteria: Ambry Variant Classification Scheme 2023. Collection method: clinical testing. Allele origin: germline.